The following is an entry in ClinVar:

ClinVar aggregate classification (germline): Benign (0 of 4 stars; one submission).

Conditions:
FSIP2-related disorder. Also called: FSIP2-related condition.

Allele frequency attached by ClinVar (database versions not stated): 1000 Genomes Project 0.08966; 1000 Genomes Project 30x 0.08994; ExAC 0.09644; gnomAD 0.11132; TOPMed 0.11229; gnomAD exomes 0.11444.
gnomAD v4.1: 174,489 of 1,533,200 alleles (11%); highest among the groups gnomAD compares: Middle Eastern, 14%; 10,376 homozygotes.

Submission:

PreventionGenetics, part of Exact Sciences
Classification: Benign for FSIP2-related condition. Last evaluated: 2019-10-17. Review status: no assertion criteria provided. Collection method: clinical testing. Allele origin: germline.
Comment: This variant is classified as benign based on ACMG/AMP sequence variant interpretation guidelines (Richards et al. 2015 PMID: 25741868, with internal and published modifications).

NM_173651.4(FSIP2):c.13327A>C (p.Ile4443Leu)

Gene: FSIP2 (fibrous sheath interacting protein 2; plus strand). Cytogenetic location: 2q32.1.
Variant type: single nucleotide variant.
Coding change: c.13327A>C on transcript NM_173651.4 (MANE Select); coding-DNA position 13327, A replaced by C.
Protein change: p.Ile4443Leu; replaces isoleucine 4443 with leucine.
Molecular consequence: missense variant.
Genome position (GRCh38, 1-based): chr2:185,802,633, A>C. VCF-style: chr2-185802633-A-C. GRCh37 (hg19) VCF-style: chr2-186667360-A-C.
Other names: short protein forms I4443L.
Identifiers: ClinVar variation 3059920 (VCV003059920.2), dbSNP rs7565527, ClinGen allele CA2017036.
Genomic context (GRCh38, chr2:185,802,633, plus strand): 5'-TCTGGGGATTTTTCAGCTTCTACCTATTCTAATTCAGTGGCTGAGAATATTGTTCAGGAC[A>C]TCCTTAGTAACATCAGTAAATCTACTGAGCCAAGCCAGAGTGTACCTCTATATAACACCT-3'
Protein context (NP_775922.3, residues 4433-4453): NSVAENIVQD[Ile4443Leu]LSNISKSTEP